The following is an entry in ClinVar:

ClinVar aggregate classification (germline): Benign. Review status: criteria provided, multiple submitters, no conflicts (2 of 4 stars). 8 submissions from 7 submitters: Benign (8). Last evaluated 2026-02-04.

Conditions:
Epilepsy, familial focal, with variable foci 4 (FFEVF4). Identifiers: MedGen C4693694, MONDO:0054776, OMIM 617935.
Developmental and epileptic encephalopathy, 62. Also called: Early infantile epileptic encephalopathy 62. Identifiers: MedGen C4693699, MONDO:0033371, OMIM 617938.

Allele frequency attached by ClinVar (database versions not stated): ESP Exome Variant Server 0.50292; ExAC 0.50676; gnomAD exomes 0.51081; gnomAD 0.51537 and 0.51984; TOPMed 0.53988; 1000 Genomes Project 30x 0.63179; 1000 Genomes Project 0.63458.
gnomAD v4.1: 732,867 of 1,613,204 alleles (45%); highest among the groups gnomAD compares: East Asian, 74%; 173,086 homozygotes.

Submissions (8):

Labcorp Genetics (formerly Invitae), Labcorp
Classification: Benign. Last evaluated: 2026-02-04. Review status: criteria provided, single submitter. Criteria: Invitae Variant Classification Sherloc (09022015). Collection method: clinical testing. Allele origin: germline.

Unidad de Genómica Garrahan, Hospital de Pediatría Garrahan
Classification: Benign. Last evaluated: 2024-07-15. Review status: criteria provided, single submitter. Criteria: ACMG Guidelines, 2015. Collection method: clinical testing. Allele origin: germline. Affected: no. Observed: 71 variant alleles.
Comment: This variant is classified as Benign based on local population frequency. This variant was detected in 76% of patients studied in a panel designed for Epileptic and Developmental Encephalopathy and Progressive Myoclonus Epilepsy. Number of patients: 71. Only high quality variants are reported.

Mayo Clinic Laboratories, Mayo Clinic
Classification: Benign. Last evaluated: 2021-11-29. Review status: criteria provided, single submitter. Criteria: ACMG Guidelines, 2015. Collection method: clinical testing. Allele origin: germline. Observed: 187 variant alleles.

Genome-Nilou Lab
Classification: Benign for Developmental and epileptic encephalopathy, 62. Last evaluated: 2021-07-15. Review status: criteria provided, single submitter. Criteria: ACMG Guidelines, 2015. Collection method: clinical testing. Allele origin: germline. Affected: no.

Genome-Nilou Lab
Classification: Benign for Epilepsy, familial focal, with variable foci 4. Last evaluated: 2021-07-15. Review status: criteria provided, single submitter. Criteria: ACMG Guidelines, 2015. Collection method: clinical testing. Allele origin: germline. Affected: no.

GeneDx
Classification: Benign. Last evaluated: 2019-11-13. Review status: criteria provided, single submitter. Criteria: GeneDx Variant Classification Process June 2021. Collection method: clinical testing. Allele origin: germline. Affected: yes.

Athena Diagnostics
Classification: Benign. Last evaluated: 2017-04-20. Review status: criteria provided, single submitter. Criteria: Athena Diagnostics Criteria. Collection method: clinical testing. Allele origin: germline.

Breakthrough Genomics
Classification: Benign. Review status: criteria provided, single submitter. Criteria: ACMG Guidelines, 2015. Collection method: not provided. Allele origin: germline. Inheritance: Autosomal dominant inheritance. Affected: yes.

NM_006922.4(SCN3A):c.2031A>T (p.Thr677=)

Gene: SCN3A (sodium voltage-gated channel alpha subunit 3; minus strand). Cytogenetic location: 2q24.3.
Variant type: single nucleotide variant.
Coding change: c.2031A>T on transcript NM_006922.4 (MANE Select); coding-DNA position 2031, A replaced by T.
Protein change: p.Thr677=; no amino-acid change (threonine 677 retained).
Molecular consequence: synonymous variant.
Genome position (GRCh38, 1-based): chr2:165,139,597, T>A on the plus strand (A>T on the coding strand, the complement: SCN3A is on the minus strand). VCF-style: chr2-165139597-T-A. GRCh37 (hg19) VCF-style: chr2-165996107-T-A.
Other names: p.Thr677=; c.1884A>T, p.Thr628= (NM_001081676.2, NM_001081677.2).
Identifiers: ClinVar variation 586501 (VCV000586501.18), dbSNP rs1946892, ClinGen allele CA1939033.
Genomic context (GRCh38, chr2:165,139,597, plus strand): 5'-CTCCAGCATCTCCATTGAAATCTGGTAAGAGCTTAACCTTCTCTTTCTGACTTCCGTTTC[T>A]GTGGTGGTGCCCTGCAAACCAAATACTGATGGCTCAAACCACTCTTCCCAATAAGTAATA-3'
Protein context (NP_008853.3, residues 667-687): TGQLPPEGTT[Thr677=]ETEVRKRRLS